The following is an entry in ClinVar:

ClinVar aggregate classification (germline): Uncertain significance (1 of 4 stars; one submission).

Conditions:
Cardiovascular phenotype. Identifiers: MedGen CN230736.

Allele frequency attached by ClinVar (database versions not stated): TOPMed below 0.00001.

Submission:

Ambry Genetics
Classification: Uncertain significance for Cardiovascular phenotype. Last evaluated: 2021-04-09. Review status: criteria provided, single submitter. Criteria: Ambry Variant Classification Scheme 2023. Collection method: clinical testing. Allele origin: germline.
Comment: The p.P147L variant (also known as c.440C>T), located in coding exon 2 of the BAG3 gene, results from a C to T substitution at nucleotide position 440. The proline at codon 147 is replaced by leucine, an amino acid with similar properties. This amino acid position is not well conserved in available vertebrate species. In addition, this alteration is predicted to be tolerated by in silico analysis. Since supporting evidence is limited at this time, the clinical significance of this alteration remains unclear.

NM_004281.4(BAG3):c.440C>T (p.Pro147Leu)

Gene: BAG3 (BAG cochaperone 3; plus strand). Cytogenetic location: 10q26.11.
Variant type: single nucleotide variant.
Coding change: c.440C>T on transcript NM_004281.4 (MANE Select); coding-DNA position 440, C replaced by T.
Protein change: p.Pro147Leu; replaces proline 147 with leucine.
Molecular consequence: missense variant.
Genome position (GRCh38, 1-based): chr10:119,670,110, C>T. VCF-style: chr10-119670110-C-T. GRCh37 (hg19) VCF-style: chr10-121429622-C-T.
Other names: short protein forms P147L.
Identifiers: ClinVar variation 1740389 (VCV001740389.2), dbSNP rs1847126959, ClinGen allele CA378295095.